The following is an entry in ClinVar:

ClinVar aggregate classification (germline): Uncertain significance (1 of 4 stars; one submission).

Allele frequency attached by ClinVar (database versions not stated): gnomAD 0.00001.
gnomAD v4.1: 1 of 1,613,742 alleles (0.000062%); highest among the groups gnomAD compares: East Asian, 0.0022%; no homozygotes.

Submission:

Ambry Genetics
Classification: Uncertain significance. Last evaluated: 2023-07-06. Review status: criteria provided, single submitter. Criteria: Ambry Variant Classification Scheme 2023. Collection method: clinical testing. Allele origin: germline.
Comment: The p.I1213V variant (also known as c.3637A>G), located in coding exon 16 of the POLQ gene, results from an A to G substitution at nucleotide position 3637. The isoleucine at codon 1213 is replaced by valine, an amino acid with highly similar properties. This amino acid position is conserved. In addition, this alteration is predicted to be tolerated by in silico analysis. Since supporting evidence is limited at this time, the clinical significance of this alteration remains unclear.

NM_199420.4(POLQ):c.3637A>G (p.Ile1213Val)

Gene: POLQ (DNA polymerase theta; minus strand). Cytogenetic location: 3q13.33.
Variant type: single nucleotide variant.
Coding change: c.3637A>G on transcript NM_199420.4 (MANE Select); coding-DNA position 3637, A replaced by G.
Protein change: p.Ile1213Val; replaces isoleucine 1213 with valine.
Molecular consequence: missense variant.
Genome position (GRCh38, 1-based): chr3:121,489,294, T>C on the plus strand (A>G on the coding strand, the complement: POLQ is on the minus strand). VCF-style: chr3-121489294-T-C. GRCh37 (hg19) VCF-style: chr3-121208141-T-C.
Other names: short protein forms I1213V.
Identifiers: ClinVar variation 2625827 (VCV002625827.2), dbSNP rs1417002351, ClinGen allele CA354098467.
Genomic context (GRCh38, chr3:121,489,294, plus strand): 5'-CATTTGAGTCTCTATTTATGTAACTACTGACTGCTTCACAGGGCATTTGTCTCTCTATTA[T>C]ATTTTTCTGTTTGGTAATAGTGCTTGTCTGTTCATGAGATTGCTTTCGCAGGTACTGGTT-3'
Protein context (NP_955452.3, residues 1203-1223): QTSTITKQKN[Ile1213Val]IERQMPCEAV